The following is an entry in ClinVar:

NM_017763.6(RNF43):c.489G>A (p.Leu163=)

Gene: RNF43 (ring finger protein 43; minus strand). Cytogenetic location: 17q22.
Variant type: single nucleotide variant.
Coding change: c.489G>A on transcript NM_017763.6 (MANE Select); coding-DNA position 489, G replaced by A.
Protein change: p.Leu163=; no amino-acid change (leucine 163 retained).
Molecular consequence: synonymous variant.
Genome position (GRCh38, 1-based): chr17:58,363,368, C>T on the plus strand (G>A on the coding strand, the complement: RNF43 is on the minus strand). VCF-style: chr17-58363368-C-T. GRCh37 (hg19) VCF-style: chr17-56440729-C-T.
Other names: c.489G>A, p.Leu163= (NM_001305544.3, NM_001438820.1, NM_001438821.1 and 1 more transcripts); c.108G>A, p.Leu36= (NM_001305545.2, NM_001437987.1).
Identifiers: ClinVar variation 4875792 (VCV004875792.1).

ClinVar aggregate classification (germline): Benign (1 of 4 stars; one submission).

Conditions:
Sessile serrated polyposis cancer syndrome (SSPCS). Identifiers: Orphanet 157798, MedGen C4310714, MONDO:0014919, OMIM 617108.

Submission:

Myriad Genetics, Inc.
Classification: Benign for Sessile serrated polyposis cancer syndrome. Last evaluated: 2026-06-30. Review status: criteria provided, single submitter. Criteria: Myriad Autosomal Dominant, Autosomal Recessive and X-Linked Classification Criteria (2023). Collection method: clinical testing. Allele origin: unknown.
Comment: This variant is considered benign. This variant is a silent/synonymous amino acid change and it is not expected to impact splicing.